The following is an entry in ClinVar:

NM_000465.4(BARD1):c.2075T>C (p.Ile692Thr)

Gene: BARD1 (BRCA1 associated RING domain 1; minus strand). Cytogenetic location: 2q35.
Variant type: single nucleotide variant.
Coding change: c.2075T>C on transcript NM_000465.4 (MANE Select); coding-DNA position 2075, T replaced by C.
Protein change: p.Ile692Thr; replaces isoleucine 692 with threonine.
Molecular consequence: missense variant. On other transcripts: non-coding transcript variant (3).
Genome position (GRCh38, 1-based): chr2:214,728,935, A>G on the plus strand (T>C on the coding strand, the complement: BARD1 is on the minus strand). VCF-style: chr2-214728935-A-G. GRCh37 (hg19) VCF-style: chr2-215593659-A-G.
Other names: c.2018T>C, p.Ile673Thr (NM_001282543.2); c.722T>C, p.Ile241Thr (NM_001282545.2); c.665T>C, p.Ile222Thr (NM_001282548.2); c.536T>C, p.Ile179Thr (NM_001282549.2); short protein forms I692T, I179T, I222T, I241T, I673T.
Identifiers: ClinVar variation 142571 (VCV000142571.24), dbSNP rs587782555, ClinGen allele CA333275.

ClinVar aggregate classification (germline): Conflicting classifications of pathogenicity. Review status: criteria provided, conflicting classifications (1 of 4 stars). 9 submissions from 9 submitters: Uncertain significance (6); Likely benign (2). 1 of the submissions does not count toward it. Last evaluated 2025-07-21.

Conditions:
BARD1-related disorder. Also called: BARD1-related condition.
Hereditary cancer-predisposing syndrome. Also called: Hereditary Cancer Syndrome; Neoplastic Syndromes, Hereditary; Hereditary neoplastic syndrome; Tumor predisposition. Identifiers: Orphanet 140162, MedGen C0027672, MeSH D009386, MONDO:0015356.
Familial cancer of breast. Also called: BREAST CANCER, FAMILIAL; Hereditary breast cancer; hereditary breast carcinoma. Identifiers: Orphanet 227535, MedGen C0346153, MONDO:0016419, OMIM 114480. Disease mechanism: loss of function.

Allele frequency attached by ClinVar (database versions not stated): TOPMed below 0.00001; ExAC 0.00001; gnomAD 0.00001; gnomAD exomes 0.00003.
gnomAD v4.1: 41 of 1,614,092 alleles (0.0025%); highest among the groups gnomAD compares: Non-Finnish European, 0.0035%; no homozygotes.

Submissions (9):

Labcorp Genetics (formerly Invitae), Labcorp
Classification: Uncertain significance for Familial cancer of breast. Last evaluated: 2025-07-21. Review status: criteria provided, single submitter. Criteria: Invitae Variant Classification Sherloc (09022015). Collection method: clinical testing. Allele origin: germline.
Comment: This sequence change replaces isoleucine, which is neutral and non-polar, with threonine, which is neutral and polar, at codon 692 of the BARD1 protein (p.Ile692Thr). This variant is present in population databases (rs587782555, gnomAD 0.0009%). This missense change has been observed in individual(s) with breast cancer (PMID: 17972171). ClinVar contains an entry for this variant (Variation ID: 142571). An algorithm developed to predict the effect of missense changes on protein structure and function outputs the following: PolyPhen-2: "Benign". The threonine amino acid residue is found in multiple mammalian species, which suggests that this missense change does not adversely affect protein function. Experimental studies have shown that this missense change does not substantially affect BARD1 function (PMID: 26350354). In summary, the available evidence is currently insufficient to determine the role of this variant in disease. Therefore, it has been classified as a Variant of Uncertain Significance.

Center for Genomic Medicine, Rigshospitalet, Copenhagen University Hospital
Classification: Uncertain significance. Last evaluated: 2025-03-04. Review status: criteria provided, single submitter. Criteria: ACMG Guidelines, 2015. Collection method: clinical testing. Allele origin: germline.

Color Diagnostics, LLC DBA Color Health
Classification: Likely benign for Hereditary cancer-predisposing syndrome. Last evaluated: 2024-09-19. Review status: criteria provided, single submitter. Criteria: ACMG Guidelines, 2015. Collection method: clinical testing. Allele origin: germline.

Women's Health and Genetics/Laboratory Corporation of America, LabCorp
Classification: Uncertain significance. Last evaluated: 2024-08-23. Review status: criteria provided, single submitter. Criteria: LabCorp Variant Classification Summary - May 2015. Collection method: clinical testing. Allele origin: germline.
Comment: Variant summary: BARD1 c.2075T>C (p.Ile692Thr) results in a non-conservative amino acid change located in the BRCT domain (IPR001357) of the encoded protein sequence. Four of five in-silico tools predict a benign effect of the variant on protein function. The variant was absent in 251276 control chromosomes. The available data on variant occurrences in the general population are insufficient to allow any conclusion about variant significance. c.2075T>C has been reported in the literature in individuals affected with perosonal or family history of Breast Cancer (e.g. Gorringe_2008). This report does not provide unequivocal conclusions about association of the variant with Breast Cancer. At least one publication reports experimental evidence evaluating an impact on protein function with HDR assay showing no damaging effect of this variant (e.g. Lee_2015). The following publications have been ascertained in the context of this evaluation (PMID: 26350354, 17972171). ClinVar contains an entry for this variant (Variation ID: 142571). Based on the evidence outlined above, the variant was classified as uncertain significance.

GeneDx
Classification: Uncertain significance. Last evaluated: 2024-06-18. Review status: criteria provided, single submitter. Criteria: GeneDx Variant Classification Process June 2021. Collection method: clinical testing. Allele origin: germline. Affected: yes.
Comment: Published functional studies demonstrate no damaging effect: homology-directed repair and protein expression similar to wildtype (PMID: 26350354); Observed in individuals with breast cancer but does not segregate with disease in one family (PMID: 17972171); Not observed at significant frequency in large population cohorts (gnomAD); In silico analysis indicates that this missense variant does not alter protein structure/function; This variant is associated with the following publications: (PMID: 26350354, 23056176, 17550235, 17972171, 35650591)

Quest Diagnostics Nichols Institute San Juan Capistrano
Classification: Uncertain significance. Last evaluated: 2023-11-21. Review status: criteria provided, single submitter. Criteria: Quest Diagnostics criteria. Collection method: clinical testing. Allele origin: unknown.
Comment: The BARD1 c.2075T>C (p.Ile692Thr) variant has been reported in the published literature in an affected individual with breast cancer (PMID: 17972171 (2008)), as well as in a breast cancer case and control individuals in a large scale breast cancer association study (PMID: 33471991 (2021), see also LOVD). A functional study demonstrated that this variant was not damaging to protein function (PMID: 26350354 (2015)). This variant has not been reported in large, multi-ethnic general populations (Genome Aggregation Database). Analysis of this variant using bioinformatics tools for the prediction of the effect of amino acid changes on protein structure and function yielded predictions that this variant is benign. Based on the available information, we are unable to determine the clinical significance of this variant.

Baylor Genetics
Classification: Uncertain significance for Familial cancer of breast. Last evaluated: 2023-08-28. Review status: criteria provided, single submitter. Criteria: ACMG Guidelines, 2015. Collection method: clinical testing. Allele origin: unknown.

Ambry Genetics
Classification: Likely benign for Hereditary cancer-predisposing syndrome. Last evaluated: 2018-06-21. Review status: criteria provided, single submitter. Criteria: Ambry Variant Classification Scheme 2023. Collection method: clinical testing. Allele origin: germline.

PreventionGenetics, part of Exact Sciences
Classification: Uncertain significance for BARD1-related condition. Last evaluated: 2024-05-02. Review status: no assertion criteria provided. Collection method: clinical testing. Allele origin: germline. Not counted in ClinVar's aggregate classification.
Comment: The BARD1 c.2075T>C variant is predicted to result in the amino acid substitution p.Ile692Thr. This variant has been reported in an individual with breast cancer, however didn't segregate with the incidence of the breast cancer in the family and was assessed as non-pathogenic polymorphism (Gorringe KL et al 2007. PubMed ID: 17972171). Functional studies show that this variant does not impact DNA repair function (Lee et al. 2015. PubMed ID: 26350354). This variant has not been reported in a large population database, indicating this variant is rare. Although we suspect that this variant may be benign, at this time, the clinical significance of this variant is uncertain due to the absence of conclusive functional and genetic evidence.

Literature cited by the submitters: PubMed 17972171 (cited by 4 submitters); PubMed 26350354 (cited by 4 submitters); PubMed 33471991 (cited by Quest Diagnostics Nichols Institute San Juan Capistrano).